The following is an entry in ClinVar:

NM_006846.4(SPINK5):c.716G>A (p.Cys239Tyr)

Gene: SPINK5 (serine peptidase inhibitor Kazal type 5; plus strand). Cytogenetic location: 5q32.
Variant type: single nucleotide variant.
Coding change: c.716G>A on transcript NM_006846.4 (MANE Select); coding-DNA position 716, G replaced by A.
Protein change: p.Cys239Tyr; replaces cysteine 239 with tyrosine.
Molecular consequence: missense variant.
Genome position (GRCh38, 1-based): chr5:148,094,403, G>A. VCF-style: chr5-148094403-G-A. GRCh37 (hg19) VCF-style: chr5-147473966-G-A.
Other names: c.716G>A, p.Cys239Tyr (NM_001127698.2, NM_001127699.2); short protein forms C239Y.
Identifiers: ClinVar variation 2040999 (VCV002040999.4), dbSNP rs2531706337, ClinGen allele CA361634418.

ClinVar aggregate classification (germline): Uncertain significance (1 of 4 stars; one submission).

Conditions:
Ichthyosis linearis circumflexa. Identifiers: MedGen C0265962, MONDO:0043106, HP:0025810.

Allele frequency attached by ClinVar (database versions not stated): gnomAD exomes below 0.00001.
gnomAD v4.1: 1 of 1,612,790 alleles (0.000062%); highest among the groups gnomAD compares: Non-Finnish European, 0.000085%; no homozygotes.

Submission:

Labcorp Genetics (formerly Invitae), Labcorp
Classification: Uncertain significance for Ichthyosis linearis circumflexa. Last evaluated: 2022-07-10. Review status: criteria provided, single submitter. Criteria: Invitae Variant Classification Sherloc (09022015). Collection method: clinical testing. Allele origin: germline.
Comment: Algorithms developed to predict the effect of missense changes on protein structure and function (SIFT, PolyPhen-2, Align-GVGD) all suggest that this variant is likely to be disruptive. In summary, the available evidence is currently insufficient to determine the role of this variant in disease. Therefore, it has been classified as a Variant of Uncertain Significance. This variant has not been reported in the literature in individuals affected with SPINK5-related conditions. This variant is not present in population databases (gnomAD no frequency). This sequence change replaces cysteine, which is neutral and slightly polar, with tyrosine, which is neutral and polar, at codon 239 of the SPINK5 protein (p.Cys239Tyr).